The following is an entry in ClinVar:

ClinVar aggregate classification (germline): Conflicting classifications of pathogenicity. Review status: criteria provided, conflicting classifications (1 of 4 stars). 6 submissions from 6 submitters: Uncertain significance (5); Likely benign (1). Last evaluated 2026-05-07.

Conditions:
TTN-related disorder. Also called: TTN-related condition; TTN-related disease; TTN-related disorders.
Cardiovascular phenotype. Identifiers: MedGen CN230736.

Allele frequency attached by ClinVar (database versions not stated): gnomAD exomes 0.00003; ExAC 0.00005; gnomAD 0.00013 and 0.00014; TOPMed 0.00019; ESP Exome Variant Server 0.00042.
gnomAD v4.1: 30 of 1,613,498 alleles (0.0019%); highest among the groups gnomAD compares: African/African-American, 0.039%; no homozygotes.

Submissions (6):

PreventionGenetics, part of Exact Sciences
Classification: Uncertain significance for TTN-related condition. Last evaluated: 2026-05-07. Review status: criteria provided, single submitter. Criteria: ACMG Guidelines, 2015. Collection method: clinical testing. Allele origin: germline.
Comment: The TTN c.85745T>A variant is predicted to result in the amino acid substitution p.Ile28582Lys. To our knowledge, this variant has not been reported in the literature. This variant is reported in 0.041% of alleles in individuals of African descent in gnomAD. At this time, the clinical significance of this variant is uncertain due to the absence of conclusive functional and genetic evidence.

Women's Health and Genetics/Laboratory Corporation of America, LabCorp
Classification: Uncertain significance. Last evaluated: 2025-12-11. Review status: criteria provided, single submitter. Criteria: LabCorp Variant Classification Summary - May 2015. Collection method: clinical testing. Allele origin: germline.

Revvity Omics, Revvity
Classification: Uncertain significance. Last evaluated: 2020-10-08. Review status: criteria provided, single submitter. Criteria: ACMG Guidelines, 2015. Collection method: clinical testing. Allele origin: germline.

Ambry Genetics
Classification: Likely benign for Cardiovascular phenotype. Last evaluated: 2020-03-23. Review status: criteria provided, single submitter. Criteria: Ambry Variant Classification Scheme 2023. Collection method: clinical testing. Allele origin: germline.

Eurofins Ntd Llc (ga)
Classification: Uncertain significance. Last evaluated: 2015-08-21. Review status: criteria provided, single submitter. Criteria: EGL Classification Definitions 2015. Collection method: clinical testing. Allele origin: germline. Observed: 1 variant allele, 1 heterozygote.

Laboratory for Molecular Medicine, Mass General Brigham Personalized Medicine
Classification: Uncertain significance. Last evaluated: 2013-03-06. Review status: criteria provided, single submitter. Criteria: LMM Criteria. Collection method: clinical testing. Allele origin: germline. Observed: 1 variant allele.
Comment: The Ile26014Lys in TTN has not been reported in the literature nor previously id entified by our laboratory. This variant has been identified in 0.1% (5/3696) of African American chromosomes from a broad population by the NHLBI Exome Sequenc ing Project (dbSNP rs201688358). Computationa l analyses (biochemical amino acid properties, conservation, AlignGVGD, PolyPhen 2, and SIFT) suggest that this variant may impact the protein, though this infor mation is not predictive enough to determine pathogenicity. In summary, addition al information is needed to fully assess the clinical significance of this varia nt.

NM_001267550.2(TTN):c.85745T>A (p.Ile28582Lys)

Genes: TTN (titin; minus strand), TTN-AS1 (TTN antisense RNA 1; plus strand). Cytogenetic location: 2q31.2.
Variant type: single nucleotide variant.
Coding change: c.85745T>A on transcript NM_001267550.2 (MANE Select); coding-DNA position 85745, T replaced by A.
Protein change: p.Ile28582Lys; replaces isoleucine 28582 with lysine.
Molecular consequence: missense variant.
Genome position (GRCh38, 1-based): chr2:178,560,387, A>T on the plus strand (T>A on the coding strand, the complement: TTN is on the minus strand). VCF-style: chr2-178560387-A-T. GRCh37 (hg19) VCF-style: chr2-179425114-A-T.
Other names: c.58550T>A, p.Ile19517Lys (NM_003319.4); c.78041T>A, p.Ile26014Lys (NM_133378.4); c.80822T>A, p.Ile26941Lys (NM_001256850.1); c.58925T>A, p.Ile19642Lys (NM_133432.3); c.59126T>A, p.Ile19709Lys (NM_133437.4); short protein forms I28582K, I26014K, I19517K, I19642K, I19709K, I26941K.
Identifiers: ClinVar variation 47448 (VCV000047448.18), dbSNP rs201688358, ClinGen allele CA141035.